The following is an entry in ClinVar:

ClinVar aggregate classification (germline): Likely benign (1 of 4 stars; one submission).

gnomAD v4.1: 5,960 of 1,608,500 alleles (0.37%); highest among the groups gnomAD compares: Non-Finnish European, 0.46%; 12 homozygotes.

Submission:

CeGaT Center for Human Genetics Tuebingen
Classification: Likely benign. Last evaluated: 2025-02-01. Review status: criteria provided, single submitter. Criteria: CeGaT Center For Human Genetics Tuebingen Variant Classification Criteria Version 2. Collection method: clinical testing. Allele origin: germline. Affected: yes. Observed: 1 variant allele.
Comment: DNAH3: BS2

NM_001347886.2(DNAH3):c.4821A>G (p.Ile1607Met)

Gene: DNAH3 (dynein axonemal heavy chain 3; minus strand). Cytogenetic location: 16p12.3.
Variant type: single nucleotide variant.
Coding change: c.4821A>G on transcript NM_001347886.2 (MANE Select); coding-DNA position 4821, A replaced by G.
Protein change: p.Ile1607Met; replaces isoleucine 1607 with methionine.
Molecular consequence: missense variant.
Genome position (GRCh38, 1-based): chr16:21,036,840, T>C on the plus strand (A>G on the coding strand, the complement: DNAH3 is on the minus strand). VCF-style: chr16-21036840-T-C. GRCh37 (hg19) VCF-style: chr16-21048162-T-C.
Other names: c.4959A>G, p.Ile1653Met (NM_017539.2); short protein forms I1607M, I1653M.
Identifiers: ClinVar variation 3770648 (VCV003770648.13).
Genomic context (GRCh38, chr16:21,036,840, plus strand): 5'-CACTTTCAGAAAAACTTCATAGTCTGGCTTTGGAAGAACAACTCCAGGAAATAAATCAGA[T>C]ATAATTCCCTGTTAAAAAGAATTTAAAAGAAAGTGGAAAGGATAAAGTATCAGATATATG-3'
Protein context (NP_001334815.1, residues 1597-1617): AQDVPLFQGI[Ile1607Met]SDLFPGVVLP